The following is an entry in ClinVar:

NM_001457.4(FLNB):c.4515-24GT[4]

Gene: FLNB (filamin B; plus strand). Cytogenetic location: 3p14.3.
Variant type: Microsatellite.
Coding change: c.4515-24GT[4] on transcript NM_001457.4 (MANE Select); four copies in a row of the 2-base unit GT starting at c.4515-24; the reference has eight copies in a row; four copies, 8 bases deleted.
Molecular consequence: intron variant.
Genome position (GRCh38, 1-based): chr3:58,134,600-58,134,607, GTGTGTGT deleted; deleting any 8 consecutive bases within chr3:58,134,592-58,134,607 gives the same sequence; the position shown is the placement nearest the transcript's 3' end. VCF-style (leftmost placement, unchanged base first): chr3-58134591-GGTGTGTGT-G. GRCh37 (hg19) VCF-style: chr3-58120318-GGTGTGTGT-G.
Other names: c.4515-16_4515-9del8 (NM_001457.3); c.4608-24GT[4] (NM_001164317.2); c.4515-24GT[4] (NM_001164318.2, NM_001164319.2).
Identifiers: ClinVar variation 498590 (VCV000498590.25), dbSNP rs151085835, ClinGen allele CA2468805.

ClinVar aggregate classification (germline): Benign/Likely benign. Review status: criteria provided, multiple submitters, no conflicts (2 of 4 stars). 6 submissions from 6 submitters: Benign (1); Likely benign (4). 1 of the submissions does not count toward it. Last evaluated 2026-01-26.

Conditions:
FLNB-related disorder. Also called: FLNB-related condition; FLNB-related disorders. Identifiers: MedGen CN381095.

Submissions (6):

Labcorp Genetics (formerly Invitae), Labcorp
Classification: Benign. Last evaluated: 2026-01-26. Review status: criteria provided, single submitter. Criteria: Invitae Variant Classification Sherloc (09022015). Collection method: clinical testing. Allele origin: germline.

Blueprint Genetics
Classification: Likely benign. Last evaluated: 2024-10-29. Review status: criteria provided, single submitter. Criteria: ACMG Guidelines, 2015. Collection method: clinical testing. Allele origin: germline.

ARUP Laboratories, Molecular Genetics and Genomics, ARUP Laboratories
Classification: Likely benign. Last evaluated: 2020-01-24. Review status: criteria provided, single submitter. Criteria: ARUP Molecular Germline Variant Investigation Process. Collection method: clinical testing. Allele origin: germline.

GeneDx
Classification: Likely benign. Last evaluated: 2018-03-26. Review status: criteria provided, single submitter. Criteria: GeneDx Variant Classification (06012015). Collection method: clinical testing. Allele origin: germline. Affected: yes.
Comment: This variant is considered likely benign or benign based on one or more of the following criteria: it is a conservative change, it occurs at a poorly conserved position in the protein, it is predicted to be benign by multiple in silico algorithms, and/or has population frequency not consistent with disease.

Eurofins Ntd Llc (ga)
Classification: Likely benign. Last evaluated: 2016-12-22. Review status: criteria provided, single submitter. Criteria: EGL Classification Definitions 2015. Collection method: clinical testing. Allele origin: germline. Observed: 1 variant allele.

PreventionGenetics, part of Exact Sciences
Classification: Likely benign for FLNB-related condition. Last evaluated: 2022-01-31. Review status: no assertion criteria provided. Collection method: clinical testing. Allele origin: germline. Not counted in ClinVar's aggregate classification.
Comment: This variant is classified as likely benign based on ACMG/AMP sequence variant interpretation guidelines (Richards et al. 2015 PMID: 25741868, with internal and published modifications).